The following is an entry in ClinVar:

ClinVar aggregate classification (germline): Uncertain significance (1 of 4 stars; one submission).

Submission:

GeneDx
Classification: Uncertain significance. Last evaluated: 2023-05-25. Review status: criteria provided, single submitter. Criteria: GeneDx Variant Classification Process June 2021. Collection method: clinical testing. Allele origin: germline. Affected: yes.
Comment: Not observed at significant frequency in large population cohorts (gnomAD); Frameshift variant predicted to result in protein truncation, as the last 199 amino acids are replaced with 26 different amino acids in a gene for which loss-of-function is not an established mechanism of disease; Has not been previously published as pathogenic or benign to our knowledge

NM_003620.4(PPM1D):c.1220dup (p.Cys407fs)

Gene: PPM1D (protein phosphatase, Mg2+/Mn2+ dependent 1D; plus strand). Cytogenetic location: 17q23.2.
Variant type: Duplication.
Coding change: c.1220dup on transcript NM_003620.4 (MANE Select); coding-DNA position 1220, one base duplicated (G; older notation c.1220dupG).
Protein change: p.Cys407fs; shifts the reading frame from cysteine 407.
Molecular consequence: frameshift variant.
Genome position (GRCh38, 1-based): chr17:60,656,801, G duplicated. VCF-style (leftmost placement, unchanged base first): chr17-60656800-T-TG. GRCh37 (hg19) VCF-style: chr17-58734161-T-TG.
Other names: short protein forms C407fs.
Identifiers: ClinVar variation 2504277 (VCV002504277.1), dbSNP rs2544465710, ClinGen allele CA2580613182.
Genomic context (GRCh38, chr17:60,656,800, plus strand): 5'-AATGAAGATGAGTTATACCTGAACCTGACTGACAGCCCTTCCTATAATAGTCAAGAAACC[T>TG]GTGTGATGACTCCTTCCCCATGTTCTACACCACCAGTCAAGGTATATAGTTCCATAGTTT-3'